The following is an entry in ClinVar:

NM_006514.4(SCN10A):c.1715C>T (p.Pro572Leu)

Gene: SCN10A (sodium voltage-gated channel alpha subunit 10; minus strand). Cytogenetic location: 3p22.2.
Variant type: single nucleotide variant.
Coding change: c.1715C>T on transcript NM_006514.4 (MANE Select); coding-DNA position 1715, C replaced by T.
Protein change: p.Pro572Leu; replaces proline 572 with leucine.
Molecular consequence: missense variant. On other transcripts: intron variant (1).
Genome position (GRCh38, 1-based): chr3:38,752,259, G>A on the plus strand (C>T on the coding strand, the complement: SCN10A is on the minus strand). VCF-style: chr3-38752259-G-A. GRCh37 (hg19) VCF-style: chr3-38793750-G-A.
Other names: c.1715C>T, p.Pro572Leu (NM_001293306.2); c.1462-2075C>T (NM_001293307.2); short protein forms P572L.
Identifiers: ClinVar variation 407749 (VCV000407749.10), dbSNP rs553784643, ClinGen allele CA2320780.

ClinVar aggregate classification (germline): Conflicting classifications of pathogenicity. Review status: criteria provided, conflicting classifications (1 of 4 stars). 4 submissions from 4 submitters: Uncertain significance (3); Likely benign (1). Last evaluated 2026-08-18.

Conditions:
SCN10A-related disorder. Also called: SCN10A-related condition.
Cardiovascular phenotype. Identifiers: MedGen CN230736.
Brugada syndrome. Also called: Sudden unexpected nocturnal death syndrome; Sudden Unexplained Death Syndrome; Sudden Unexplained Nocturnal Death Syndrome (SUNDS); Sudden unexplained nocturnal death syndrome. Identifiers: Orphanet 130, MedGen C1142166, MONDO:0015263.

Allele frequency attached by ClinVar (database versions not stated): gnomAD 0.00001 and 0.00003; TOPMed 0.00003; ExAC 0.00006; gnomAD exomes 0.00006.
gnomAD v4.1: 50 of 1,571,836 alleles (0.0032%); highest among the groups gnomAD compares: East Asian, 0.016%; no homozygotes.

Submissions (4):

PreventionGenetics, part of Exact Sciences
Classification: Uncertain significance for SCN10A-related condition. Last evaluated: 2026-08-18. Review status: criteria provided, single submitter. Criteria: ACMG Guidelines, 2015. Collection method: clinical testing. Allele origin: germline.
Comment: The SCN10A c.1715C>T variant is predicted to result in the amino acid substitution p.Pro572Leu. To our knowledge, this variant has not been reported in the literature. This variant is reported in 0.025% of alleles in individuals of East Asian descent in gnomAD. Although we suspect that this variant may be benign, at this time, the clinical significance of this variant is uncertain due to the absence of conclusive functional and genetic evidence.

Labcorp Genetics (formerly Invitae), Labcorp
Classification: Uncertain significance for Brugada syndrome. Last evaluated: 2025-12-15. Review status: criteria provided, single submitter. Criteria: Invitae Variant Classification Sherloc (09022015). Collection method: clinical testing. Allele origin: germline.
Comment: This sequence change replaces proline, which is neutral and non-polar, with leucine, which is neutral and non-polar, at codon 572 of the SCN10A protein (p.Pro572Leu). This variant is present in population databases (rs553784643, gnomAD 0.03%). This variant has not been reported in the literature in individuals affected with SCN10A-related conditions. ClinVar contains an entry for this variant (Variation ID: 407749). Invitae Evidence Modeling of protein sequence and biophysical properties (such as structural, functional, and spatial information, amino acid conservation, physicochemical variation, residue mobility, and thermodynamic stability) indicates that this missense variant is not expected to disrupt SCN10A protein function with a negative predictive value of 95%. In summary, the available evidence is currently insufficient to determine the role of this variant in disease. Therefore, it has been classified as a Variant of Uncertain Significance.

Ambry Genetics
Classification: Likely benign for Cardiovascular phenotype. Last evaluated: 2023-02-09. Review status: criteria provided, single submitter. Criteria: Ambry Variant Classification Scheme 2023. Collection method: clinical testing. Allele origin: germline.

GeneDx
Classification: Uncertain significance. Last evaluated: 2018-06-04. Review status: criteria provided, single submitter. Criteria: GeneDx Variant Classification (06012015). Collection method: clinical testing. Allele origin: germline. Affected: yes.
Comment: A variant of uncertain significance has been identified in the SCN10A gene. The P572L variant has not been published as pathogenic or been reported as benign to our knowledge. It is classified as a variant of uncertain significance in ClinVar by another clinical laboratory (SCV000547178.2; Landrum et al., 2016). This variant is observed at a global allele frequency of 13/214918 (0.006%) alleles in large population cohorts, including 4/14804 (0.03%) alleles from individuals of East Asian ancestry (Lek et al., 2016). The P572L variant is a semi-conservative amino acid substitution, which may impact secondary protein structure as these residues differ in some properties. However, in-silico analyses, including protein predictors and evolutionary conservation, support that this variant does not alter protein structure/function.